The following is an entry in ClinVar:

NM_004380.3(CREBBP):c.6307C>T (p.Gln2103Ter)

Gene: CREBBP (CREB binding lysine acetyltransferase; minus strand). Cytogenetic location: 16p13.3.
Variant type: single nucleotide variant.
Coding change: c.6307C>T on transcript NM_004380.3 (MANE Select); coding-DNA position 6307, C replaced by T.
Protein change: p.Gln2103Ter; replaces glutamine 2103 with a stop codon.
Molecular consequence: nonsense.
Genome position (GRCh38, 1-based): chr16:3,728,740, G>A on the plus strand (C>T on the coding strand, the complement: CREBBP is on the minus strand). VCF-style: chr16-3728740-G-A. GRCh37 (hg19) VCF-style: chr16-3778741-G-A.
Other names: c.6193C>T, p.Gln2065Ter (NM_001079846.1); short protein forms Q2065*, Q2103*.
Identifiers: ClinVar variation 2819259 (VCV002819259.3), dbSNP rs1596784178, ClinGen allele CA394553673.

ClinVar aggregate classification (germline): Pathogenic (1 of 4 stars; one submission).

Conditions:
Rubinstein-Taybi syndrome (RSTS). Identifiers: Orphanet 783, MedGen C0035934, MONDO:0019188.

Submission:

Labcorp Genetics (formerly Invitae), Labcorp
Classification: Pathogenic for Rubinstein-Taybi syndrome. Last evaluated: 2022-12-07. Review status: criteria provided, single submitter. Criteria: Invitae Variant Classification Sherloc (09022015). Collection method: clinical testing. Allele origin: germline.
Comment: For these reasons, this variant has been classified as Pathogenic. This variant disrupts a region of the CREBBP protein in which other variant(s) (p.Gln2136Argfs*8) have been determined to be pathogenic (Invitae). This suggests that this is a clinically significant region of the protein, and that variants that disrupt it are likely to be disease-causing. This variant has not been reported in the literature in individuals affected with CREBBP-related conditions. This variant is not present in population databases (gnomAD no frequency). This sequence change creates a premature translational stop signal (p.Gln2103*) in the CREBBP gene. While this is not anticipated to result in nonsense mediated decay, it is expected to disrupt the last 340 amino acid(s) of the CREBBP protein.